The following is an entry in ClinVar:

ClinVar aggregate classification (germline): Pathogenic (0 of 4 stars; one submission).

Conditions:
Malignant lymphoma, large B-cell, diffuse. Also called: Diffuse large B cell lymphoma. Identifiers: Orphanet 544, MedGen C0079744, MeSH D016403, MONDO:0018905.

Submission:

Department Of Pathology & Laboratory Medicine, University Of Pennsylvania
Classification: Pathogenic for Malignant lymphoma, large B-cell, diffuse. Last evaluated: 2023-12-04. Review status: no assertion criteria provided. Collection method: clinical testing. Allele origin: somatic. Affected: yes. Observed: 1 variant allele.
Comment: Post-initial therapy specimen.

Literature cited by the submitters: PubMed 24755471; PubMed 28481359; PubMed 30239046; PubMed 33323405.

NM_004380.3(CREBBP):c.4268del (p.Pro1423fs)

Gene: CREBBP (CREB binding protein; minus strand). Cytogenetic location: 16p13.3.
Variant type: Deletion.
Coding change: c.4268del on transcript NM_004380.3 (MANE Select); coding-DNA position 4268, one base deleted (C; older notation c.4268delC).
Protein change: p.Pro1423fs; shifts the reading frame from proline 1423.
Molecular consequence: frameshift variant.
Genome position (GRCh38, 1-based): chr16:3,739,590, G deleted on the plus strand (C on the coding strand, the reverse complement: CREBBP is on the minus strand); the first of 6 consecutive G bases (chr16:3,739,590-3,739,595); deleting any one gives the same sequence. VCF-style (leftmost placement, unchanged base first): chr16-3739589-AG-A. GRCh37 (hg19) VCF-style: chr16-3789590-AG-A.
Other names: c.4154del, p.Pro1385fs (NM_001079846.1); short protein forms P1385fs, P1423fs.
Identifiers: ClinVar variation 2671891 (VCV002671891.2), dbSNP rs2151336596, ClinGen allele CA645593129.